The following is an entry in ClinVar:

ClinVar aggregate classification (germline): Uncertain significance (1 of 4 stars; one submission).

Submission:

Ambry Genetics
Classification: Uncertain significance. Last evaluated: 2026-03-09. Review status: criteria provided, single submitter. Criteria: Ambry Variant Classification Scheme 2023. Collection method: clinical testing. Allele origin: germline.
Comment: The p.D44E variant (also known as c.132C>G), located in coding exon 1 of the ATRIP gene, results from a C to G substitution at nucleotide position 132. The aspartic acid at codon 44 is replaced by glutamic acid, an amino acid with highly similar properties. This amino acid position is conserved. In addition, this alteration is predicted to be tolerated by in silico analysis. Based on the available evidence, the clinical significance of this variant remains unclear.

NM_130384.3(ATRIP):c.132C>G (p.Asp44Glu)

Genes: ATRIP (ATR interacting protein; plus strand), ATRIP-TREX1 (ATRIP-TREX1 readthrough; plus strand), LOC129936703 (ATAC-STARR-seq lymphoblastoid silent region 14331; plus strand). Cytogenetic location: 3p21.31.
Variant type: single nucleotide variant.
Coding change: c.132C>G on transcript NM_130384.3 (MANE Select); coding-DNA position 132, C replaced by G.
Protein change: p.Asp44Glu; replaces aspartic acid 44 with glutamic acid.
Molecular consequence: missense variant. On other transcripts: non-coding transcript variant (1), intron variant (1).
Genome position (GRCh38, 1-based): chr3:48,446,977, C>G. VCF-style: chr3-48446977-C-G. GRCh37 (hg19) VCF-style: chr3-48488381-C-G.
Other names: c.132C>G, p.Asp44Glu (NM_032166.4); c.-218+178C>G (NM_001271022.2); short protein forms D44E.
Identifiers: ClinVar variation 4826280 (VCV004826280.1).
Genomic context (GRCh38, chr3:48,446,977, plus strand): 5'-GGGCACCGGGCACCCCCCGAGCAAGCGGGCCCGGGGCTTCTCCGCAGCCGCTGCCCCGGA[C>G]CCTGACGACCCGTTCGGCGCGCATGGGGACTTCACTGCCGACGACCTGGAGGAGCTTGAC-3'
Protein context (NP_569055.1, residues 34-54): ARGFSAAAAP[Asp44Glu]PDDPFGAHGD